The following is an entry in ClinVar:

ClinVar aggregate classification (germline): Pathogenic (1 of 4 stars; one submission).

Submission:

GeneDx
Classification: Pathogenic. Last evaluated: 2024-07-24. Review status: criteria provided, single submitter. Criteria: GeneDx Variant Classification Process June 2021. Collection method: clinical testing. Allele origin: germline. Affected: yes.
Comment: Frameshift variant predicted to result in protein truncation or nonsense mediated decay in a gene for which loss-of-function is a known mechanism of disease; Not observed in large population cohorts (gnomAD); Has not been previously published as pathogenic or benign to our knowledge

NM_001320.7(CSNK2B):c.19dup (p.Val7fs)

Gene: CSNK2B (casein kinase 2 beta; plus strand). Cytogenetic location: 6p21.33.
Variant type: Duplication.
Coding change: c.19dup on transcript NM_001320.7 (MANE Select); coding-DNA position 19, one base duplicated (G; older notation c.19dupG).
Protein change: p.Val7fs; shifts the reading frame from valine 7.
Molecular consequence: frameshift variant.
Genome position (GRCh38, 1-based): chr6:31,666,850, G duplicated; the last of 2 consecutive G bases (chr6:31,666,849-31,666,850); duplicating either gives the same sequence. VCF-style (leftmost placement, unchanged base first): chr6-31666848-A-AG. GRCh37 (hg19) VCF-style: chr6-31634625-A-AG.
Other names: c.19dup, p.Val7fs (NM_001282385.2); short protein forms V7fs.
Identifiers: ClinVar variation 3600630 (VCV003600630.1).